The following is an entry in ClinVar:

NM_001122630.2(CDKN1C):c.223T>C (p.Ser75Pro)

Gene: CDKN1C (cyclin dependent kinase inhibitor 1C; minus strand). Cytogenetic location: 11p15.4.
Variant type: single nucleotide variant.
Coding change: c.223T>C on transcript NM_001122630.2 (MANE Select); coding-DNA position 223, T replaced by C.
Protein change: p.Ser75Pro; replaces serine 75 with proline.
Molecular consequence: missense variant.
Genome position (GRCh38, 1-based): chr11:2,885,234, A>G on the plus strand (T>C on the coding strand, the complement: CDKN1C is on the minus strand). VCF-style: chr11-2885234-A-G. GRCh37 (hg19) VCF-style: chr11-2906464-A-G.
Other names: c.256T>C, p.Ser86Pro (NM_000076.2, NM_001362474.2); c.223T>C, p.Ser75Pro (NM_001122631.2, NM_001362475.2); short protein forms S75P, S86P.
Identifiers: ClinVar variation 3682793 (VCV003682793.2).

ClinVar aggregate classification (germline): Uncertain significance (1 of 4 stars; one submission).

Conditions:
Beckwith-Wiedemann syndrome (BWS). Also called: EMG SYNDROME; Exomphalos macroglossia gigantism syndrome. Identifiers: Orphanet 116, MedGen C0004903, MONDO:0007534, OMIM 130650.

Submission:

Labcorp Genetics (formerly Invitae), Labcorp
Classification: Uncertain significance for Beckwith-Wiedemann syndrome. Last evaluated: 2024-03-26. Review status: criteria provided, single submitter. Criteria: Invitae Variant Classification Sherloc (09022015). Collection method: clinical testing. Allele origin: germline.
Comment: This sequence change replaces serine, which is neutral and polar, with proline, which is neutral and non-polar, at codon 86 of the CDKN1C protein (p.Ser86Pro). This variant is not present in population databases (gnomAD no frequency). This variant has not been reported in the literature in individuals affected with CDKN1C-related conditions. Advanced modeling of protein sequence and biophysical properties (such as structural, functional, and spatial information, amino acid conservation, physicochemical variation, residue mobility, and thermodynamic stability) has been performed at Invitae for this missense variant, however the output from this modeling did not meet the statistical confidence thresholds required to predict the impact of this variant on CDKN1C protein function. In summary, the available evidence is currently insufficient to determine the role of this variant in disease. Therefore, it has been classified as a Variant of Uncertain Significance.